The following is an entry in ClinVar:

NM_000532.5(PCCB):c.334G>A (p.Gly112Ser)

Gene: PCCB (propionyl-CoA carboxylase subunit beta; plus strand). Cytogenetic location: 3q22.3.
Variant type: single nucleotide variant.
Coding change: c.334G>A on transcript NM_000532.5 (MANE Select); coding-DNA position 334, G replaced by A.
Protein change: p.Gly112Ser; replaces glycine 112 with serine.
Molecular consequence: missense variant.
Genome position (GRCh38, 1-based): chr3:136,256,585, G>A. VCF-style: chr3-136256585-G-A. GRCh37 (hg19) VCF-style: chr3-135975427-G-A.
Other names: c.334G>A, p.Gly112Ser (NM_001178014.2); short protein forms G112S.
Identifiers: ClinVar variation 1468741 (VCV001468741.10), dbSNP rs1941676220, ClinGen allele CA354738697.

ClinVar aggregate classification (germline): Conflicting classifications of pathogenicity. Review status: criteria provided, conflicting classifications (1 of 4 stars). 2 submissions from 2 submitters: Likely pathogenic (1); Uncertain significance (1). Last evaluated 2025-12-08.

Conditions:
Propionic acidemia (PROP). Also called: GLYCINEMIA, KETOTIC; HYPERGLYCINEMIA WITH KETOACIDOSIS AND LEUKOPENIA; KETOTIC HYPERGLYCINEMIA. Identifiers: Orphanet 35, MedGen C0268579, MONDO:0011628, OMIM 606054, HP:0003571.

gnomAD v4.1: 2 of 1,613,426 alleles (0.00012%); highest among the groups gnomAD compares: Non-Finnish European, 0.00017%; no homozygotes.

Submissions (2):

Labcorp Genetics (formerly Invitae), Labcorp
Classification: Likely pathogenic for Propionic acidemia. Last evaluated: 2025-12-08. Review status: criteria provided, single submitter. Criteria: Invitae Variant Classification Sherloc (09022015). Collection method: clinical testing. Allele origin: germline.
Comment: This sequence change replaces glycine, which is neutral and non-polar, with serine, which is neutral and polar, at codon 112 of the PCCB protein (p.Gly112Ser). This variant is not present in population databases (gnomAD no frequency). This missense change has been observed in individual(s) with propionic acidemia (PMID: 38563533). ClinVar contains an entry for this variant (Variation ID: 1468741). Invitae Evidence Modeling of protein sequence and biophysical properties (such as structural, functional, and spatial information, amino acid conservation, physicochemical variation, residue mobility, and thermodynamic stability) indicates that this missense variant is expected to disrupt PCCB protein function with a positive predictive value of 95%. This variant disrupts the p.Gly112 amino acid residue in PCCB. Other variant(s) that disrupt this residue have been determined to be pathogenic (PMID: 10910839, 12757933, 29679984). This suggests that this residue is clinically significant, and that variants that disrupt this residue are likely to be disease-causing. In summary, the currently available evidence indicates that the variant is pathogenic, but additional data are needed to prove that conclusively. Therefore, this variant has been classified as Likely Pathogenic.

Women's Health and Genetics/Laboratory Corporation of America, LabCorp
Classification: Uncertain significance. Last evaluated: 2025-04-17. Review status: criteria provided, single submitter. Criteria: LabCorp Variant Classification Summary - May 2015. Collection method: clinical testing. Allele origin: germline.
Comment: Variant summary: PCCB c.334G>A (p.Gly112Ser) results in a non-conservative amino acid change in the encoded protein sequence. Five of five in-silico tools predict a damaging effect of the variant on protein function. The variant was absent in 251476 control chromosomes. c.334G>A has been observed in an individual affected with Propionic Acidemia (Reischl-Hajiabadi_2024). These data do not allow any conclusion about variant significance. To our knowledge, no experimental evidence demonstrating an impact on protein function has been reported. However, a variant affecting the same codon resulting in a different amino acid change, c.335G>A (p.Gly112Asp), has been classified as pathogenic, suggesting Gly112 may be important for PCCB function. The following publication has been ascertained in the context of this evaluation (PMID: 38563533). ClinVar contains an entry for this variant (Variation ID: 1468741). Based on the evidence outlined above, the variant was classified as VUS-possibly pathogenic.

Literature cited by the submitters: PubMed 38563533 (cited by Labcorp Genetics (formerly Invitae), Labcorp and Women's Health and Genetics/Laboratory Corporation of America, LabCorp); PubMed 10910839 (cited by Labcorp Genetics (formerly Invitae), Labcorp); PubMed 12757933 (cited by Labcorp Genetics (formerly Invitae), Labcorp); PubMed 29679984 (cited by Labcorp Genetics (formerly Invitae), Labcorp).